The following is an entry in ClinVar:

ClinVar aggregate classification (germline): Uncertain significance (1 of 4 stars; one submission).

Conditions:
Norman-Roberts syndrome (LIS2). Also called: Lissencephaly 2 (Norman-Roberts type). Identifiers: Orphanet 89844, MedGen C0796089, MONDO:0009760, OMIM 257320.
Familial temporal lobe epilepsy 7. Identifiers: Orphanet 101046, MedGen C4225327, MONDO:0014639, OMIM 616436.

Allele frequency attached by ClinVar (database versions not stated): gnomAD exomes below 0.00001.
gnomAD v4.1: 2 of 1,614,132 alleles (0.00012%); highest among the groups gnomAD compares: Non-Finnish European, 0.00017%; no homozygotes.

Submission:

Labcorp Genetics (formerly Invitae), Labcorp
Classification: Uncertain significance for Familial temporal lobe epilepsy 7; Norman-Roberts syndrome. Last evaluated: 2026-01-19. Review status: criteria provided, single submitter. Criteria: Invitae Variant Classification Sherloc (09022015). Collection method: clinical testing. Allele origin: germline.
Comment: This sequence change replaces aspartic acid, which is acidic and polar, with glycine, which is neutral and non-polar, at codon 2797 of the RELN protein (p.Asp2797Gly). This variant is not present in population databases (gnomAD no frequency). This variant has not been reported in the literature in individuals affected with RELN-related conditions. ClinVar contains an entry for this variant (Variation ID: 1026901). Invitae Evidence Modeling of protein sequence and biophysical properties (such as structural, functional, and spatial information, amino acid conservation, physicochemical variation, residue mobility, and thermodynamic stability) indicates that this missense variant is not expected to disrupt RELN protein function with a negative predictive value of 80%. In summary, the available evidence is currently insufficient to determine the role of this variant in disease. Therefore, it has been classified as a Variant of Uncertain Significance.

NM_005045.4(RELN):c.8390A>G (p.Asp2797Gly)

Genes: SLC26A5-AS1 (SLC26A5 antisense RNA 1; plus strand), RELN (reelin; minus strand). Cytogenetic location: 7q22.1.
Variant type: single nucleotide variant.
Coding change: c.8390A>G on transcript NM_005045.4 (MANE Select); coding-DNA position 8390, A replaced by G.
Protein change: p.Asp2797Gly; replaces aspartic acid 2797 with glycine.
Molecular consequence: missense variant.
Genome position (GRCh38, 1-based): chr7:103,503,115, T>C on the plus strand (A>G on the coding strand, the complement: RELN is on the minus strand). VCF-style: chr7-103503115-T-C. GRCh37 (hg19) VCF-style: chr7-103143562-T-C.
Other names: c.8390A>G, p.Asp2797Gly (NM_173054.3); short protein forms D2797G.
Identifiers: ClinVar variation 1026901 (VCV001026901.8), dbSNP rs1829089680, ClinGen allele CA368757253.